The following is an entry in ClinVar:

NM_014629.4(ARHGEF10):c.1076-4dup

Gene: ARHGEF10 (Rho guanine nucleotide exchange factor 10; plus strand). Cytogenetic location: 8p23.3.
Variant type: Duplication.
Coding change: c.1076-4dup on transcript NM_014629.4 (MANE Select); 4 bases into the intron before coding-DNA position 1076, one base duplicated (T; older notation c.1076-4dupT).
Molecular consequence: intron variant.
Genome position (GRCh38, 1-based): chr8:1,885,597, T duplicated; the last of 9 consecutive T bases (chr8:1,885,589-1,885,597); duplicating any one gives the same sequence. VCF-style (leftmost placement, unchanged base first): chr8-1885588-C-CT. GRCh37 (hg19) VCF-style: chr8-1833754-C-CT.
Other names: c.1076-4dupT (NM_014629.4); c.962-4dup (NM_001438092.1, NM_001308152.2, NM_001438094.1); c.1079-4dup (NM_001438091.1, NM_001308153.3); c.959-4dup (NM_001438093.1).
Identifiers: ClinVar variation 1600713 (VCV001600713.9), dbSNP rs768362270, ClinGen allele CA4600205.

ClinVar aggregate classification (germline): Benign/Likely benign. Review status: criteria provided, multiple submitters, no conflicts (2 of 4 stars). 2 submissions from 2 submitters: Benign (1); Likely benign (1). Last evaluated 2026-05-07.

Submissions (2):

Women's Health and Genetics/Laboratory Corporation of America, LabCorp
Classification: Likely benign. Last evaluated: 2026-05-07. Review status: criteria provided, single submitter. Criteria: LabCorp Variant Classification Summary - May 2015. Collection method: clinical testing. Allele origin: germline.
Comment: Variant summary: ARHGEF10 c.1076-4dupT alters a nucleotide located at a position not widely known to affect splicing. Consensus agreement among computation tools predict no significant impact on normal splicing. However, these predictions have yet to be confirmed by functional studies. The frequency data for this variant in gnomAD is considered unreliable, as metrics indicate poor data quality at this position. To our knowledge, no occurrence of c.1076-4dupT in individuals affected with ARHGEF10-related conditions and no experimental evidence demonstrating its impact on protein function have been reported. ClinVar contains an entry for this variant (Variation ID: 1600713). Based on the evidence outlined above, the variant was classified as likely benign.

Labcorp Genetics (formerly Invitae), Labcorp
Classification: Benign. Last evaluated: 2025-06-23. Review status: criteria provided, single submitter. Criteria: Invitae Variant Classification Sherloc (09022015). Collection method: clinical testing. Allele origin: germline.